The following is an entry in ClinVar:

ClinVar aggregate classification (germline): Uncertain significance. Review status: criteria provided, multiple submitters, no conflicts (2 of 4 stars). 2 submissions from 2 submitters: Uncertain significance (2). Last evaluated 2018-08-24.

Conditions:
Benign recurrent intrahepatic cholestasis type 1. Also called: SUMMERSKILL SYNDROME; Mild-to-Moderate ATP8B1 Deficiency (Benign Recurrent Intrahepatic Cholestasis 1 [BRIC1]). Identifiers: Orphanet 65682, Orphanet 99960, MedGen C4551899, MONDO:0009469, OMIM 243300.

Allele frequency attached by ClinVar (database versions not stated): TOPMed below 0.00001.

Submissions (2):

Baylor Genetics
Classification: Uncertain significance for Benign recurrent intrahepatic cholestasis type 1. Last evaluated: 2018-08-24. Review status: criteria provided, single submitter. Criteria: ACMG Guidelines, 2015. Collection method: clinical testing. Allele origin: unknown. Affected: yes.
Comment: This variant was determined to be of uncertain significance according to ACMG Guidelines, 2015 [PMID:25741868].

Eurofins Ntd Llc (ga)
Classification: Uncertain significance. Last evaluated: 2017-12-26. Review status: criteria provided, single submitter. Criteria: EGL Classification Definitions 2015. Collection method: clinical testing. Allele origin: germline. Observed: 1 variant allele, 1 heterozygote.

NM_001374385.1(ATP8B1):c.3494T>A (p.Phe1165Tyr)

Genes: ATP8B1-AS1 (ATP8B1 antisense RNA 1; plus strand), ATP8B1 (ATPase phospholipid transporting 8B1; minus strand). Cytogenetic location: 18q21.31.
Variant type: single nucleotide variant.
Coding change: c.3494T>A on transcript NM_001374385.1 (MANE Select); coding-DNA position 3494, T replaced by A.
Protein change: p.Phe1165Tyr; replaces phenylalanine 1165 with tyrosine.
Molecular consequence: missense variant.
Genome position (GRCh38, 1-based): chr18:57,650,404, A>T on the plus strand (T>A on the coding strand, the complement: ATP8B1 is on the minus strand). VCF-style: chr18-57650404-A-T. GRCh37 (hg19) VCF-style: chr18-55317636-A-T.
Other names: c.3344T>A, p.Phe1115Tyr (NM_001374386.1); c.3494T>A, p.Phe1165Tyr (NM_005603.6); short protein forms F1165Y, F1115Y.
Identifiers: ClinVar variation 595577 (VCV000595577.6), dbSNP rs946672182, ClinGen allele CA300864923.